The following is an entry in ClinVar:

ClinVar aggregate classification (germline): Uncertain significance. Review status: criteria provided, multiple submitters, no conflicts (2 of 4 stars). 2 submissions from 2 submitters: Uncertain significance (2). Last evaluated 2026-06-23.

Allele frequency attached by ClinVar (database versions not stated): gnomAD exomes below 0.00001; 1000 Genomes Project 0.00020; gnomAD 0.00001; 1000 Genomes Project 30x 0.00016; ExAC 0.00001.
gnomAD v4.1: 3 of 1,612,356 alleles (0.00019%); highest among the groups gnomAD compares: South Asian, 0.0033%; no homozygotes.

Submissions (2):

Ambry Genetics
Classification: Uncertain significance. Last evaluated: 2026-06-23. Review status: criteria provided, single submitter. Criteria: Ambry Variant Classification Scheme 2023. Collection method: clinical testing. Allele origin: germline.
Comment: The c.850-3C>T intronic variant results from a C to T substitution 3 nucleotides upstream from coding exon 7 in the RNF43 gene. This nucleotide position is not well conserved in available vertebrate species. In silico splice site analysis predicts that this alteration will not have any significant effect on splicing. The evidence for this gene-disease relationship is limited; therefore, the clinical significance of this variant is unclear.

Labcorp Genetics (formerly Invitae), Labcorp
Classification: Uncertain significance. Last evaluated: 2025-10-11. Review status: criteria provided, single submitter. Criteria: Invitae Variant Classification Sherloc (09022015). Collection method: clinical testing. Allele origin: germline.
Comment: This sequence change falls in intron 7 of the RNF43 gene. It does not directly change the encoded amino acid sequence of the RNF43 protein. It affects a nucleotide within the consensus splice site. This variant is present in population databases (rs567018265, gnomAD 0.003%). This variant has not been reported in the literature in individuals affected with RNF43-related conditions. ClinVar contains an entry for this variant (Variation ID: 2898707). Variants that disrupt the consensus splice site are a relatively common cause of aberrant splicing (PMID: 17576681, 9536098). Algorithms developed to predict the effect of sequence changes on RNA splicing suggest that this variant is not likely to affect RNA splicing. In summary, the available evidence is currently insufficient to determine the role of this variant in disease. Therefore, it has been classified as a Variant of Uncertain Significance.

Literature cited by the submitters: PubMed 17576681 (cited by Labcorp Genetics (formerly Invitae), Labcorp); PubMed 9536098 (cited by Labcorp Genetics (formerly Invitae), Labcorp).

NM_017763.6(RNF43):c.850-3C>T

Gene: RNF43 (ring finger protein 43; minus strand). Cytogenetic location: 17q22.
Variant type: single nucleotide variant.
Coding change: c.850-3C>T on transcript NM_017763.6 (MANE Select); 3 bases into the intron before coding-DNA position 850, C replaced by T.
Molecular consequence: intron variant.
Genome position (GRCh38, 1-based): chr17:58,360,254, G>A on the plus strand (C>T on the coding strand, the complement: RNF43 is on the minus strand). VCF-style: chr17-58360254-G-A. GRCh37 (hg19) VCF-style: chr17-56437615-G-A.
Other names: c.850-3C>T (NM_017763.4, NM_001438822.1, NM_001305544.3 and 2 more transcripts); c.469-3C>T (NM_001305545.2, NM_001437987.1).
Identifiers: ClinVar variation 2898707 (VCV002898707.4), dbSNP rs567018265, ClinGen allele CA8673275.